The following is an entry in ClinVar:

ClinVar aggregate classification (germline): Conflicting classifications of pathogenicity. Review status: criteria provided, conflicting classifications (1 of 4 stars). 6 submissions from 6 submitters: Uncertain significance (5); Likely benign (1). Last evaluated 2025-12-22.

Conditions:
Arthrogryposis, distal, with impaired proprioception and touch (DAIPT). Identifiers: MedGen C4310692, MONDO:0014941, OMIM 617146.
Inborn genetic diseases. Identifiers: MedGen C0950123, MeSH D030342.

Allele frequency attached by ClinVar (database versions not stated): ExAC 0.00029; gnomAD exomes 0.00030; gnomAD 0.00042 and 0.00044; TOPMed 0.00042; ESP Exome Variant Server 0.00044.
gnomAD v4.1: 835 of 1,531,728 alleles (0.055%); highest among the groups gnomAD compares: Non-Finnish European, 0.07%; no homozygotes.

Submissions (6):

Labcorp Genetics (formerly Invitae), Labcorp
Classification: Likely benign. Last evaluated: 2025-12-22. Review status: criteria provided, single submitter. Criteria: Invitae Variant Classification Sherloc (09022015). Collection method: clinical testing. Allele origin: germline.

Women's Health and Genetics/Laboratory Corporation of America, LabCorp
Classification: Uncertain significance. Last evaluated: 2025-10-27. Review status: criteria provided, single submitter. Criteria: LabCorp Variant Classification Summary - May 2015. Collection method: clinical testing. Allele origin: germline.
Comment: Variant summary: PIEZO2 c.152C>T (p.Thr51Met) results in a non-conservative amino acid change in the encoded protein sequence. Algorithms developed to predict the effect of missense changes on protein structure and function are either unavailable or do not agree on the potential impact of this missense change. The variant allele was found at a frequency of 0.0003 in 141828 control chromosomes, predominantly at a frequency of 0.00067 within the Non-Finnish European subpopulation in the gnomAD database. This frequency is not significantly higher than estimated for disease-causing variants in PIEZO2, allowing no conclusion about variant significance. To our knowledge, no occurrence of c.152C>T in individuals affected with PIEZO2-related conditions and no experimental evidence demonstrating its impact on protein function have been reported. ClinVar contains an entry for this variant (Variation ID: 547896). Based on the evidence outlined above, the variant was classified as uncertain significance.

Blueprint Genetics
Classification: Uncertain significance. Last evaluated: 2024-08-07. Review status: criteria provided, single submitter. Criteria: ACMG Guidelines, 2015. Collection method: clinical testing. Allele origin: germline.

Ambry Genetics
Classification: Uncertain significance for Inborn genetic diseases. Last evaluated: 2024-03-30. Review status: criteria provided, single submitter. Criteria: Ambry Variant Classification Scheme 2023. Collection method: clinical testing. Allele origin: germline.

GeneDx
Classification: Uncertain significance. Last evaluated: 2023-06-04. Review status: criteria provided, single submitter. Criteria: GeneDx Variant Classification Process June 2021. Collection method: clinical testing. Allele origin: germline. Affected: yes.
Comment: In silico analysis supports that this missense variant does not alter protein structure/function; Has not been previously published as pathogenic or benign to our knowledge

Mayo Clinic Laboratories, Mayo Clinic
Classification: Uncertain significance for Arthrogryposis, distal, with impaired proprioception and touch. Last evaluated: 2016-12-15. Review status: criteria provided, single submitter. Criteria: ACMG Guidelines, 2015. Collection method: clinical testing. Allele origin: paternal.

NM_001378183.1(PIEZO2):c.152C>T (p.Thr51Met)

Gene: PIEZO2 (piezo type mechanosensitive ion channel component 2; minus strand). Cytogenetic location: 18p11.21.
Variant type: single nucleotide variant.
Coding change: c.152C>T on transcript NM_001378183.1 (MANE Select); coding-DNA position 152, C replaced by T.
Protein change: p.Thr51Met; replaces threonine 51 with methionine.
Molecular consequence: missense variant.
Genome position (GRCh38, 1-based): chr18:11,066,135, G>A on the plus strand (C>T on the coding strand, the complement: PIEZO2 is on the minus strand). VCF-style: chr18-11066135-G-A. GRCh37 (hg19) VCF-style: chr18-11066134-G-A.
Other names: c.152C>T, p.Thr51Met (NM_022068.4); short protein forms T51M.
Identifiers: ClinVar variation 547896 (VCV000547896.18), dbSNP rs371432372, ClinGen allele CA8892877.
Genomic context (GRCh38, chr18:11,066,135, plus strand): 5'-AATACATTCAGACTGTATAACTCTGTGGTATACGATAACAAAATTCTCTTACCTTGCATC[G>A]TCGTTTTTGTTGGTTCTGAGAACAGAGGAATGAGCAAGAGGTAGATAAGGTAGACAAAGG-3'
Protein context (NP_001365112.1, residues 41-61): IPLFSEPTKT[Thr51Met]MQGHTGRLLK